The following is an entry in ClinVar:

ClinVar aggregate classification (germline): Pathogenic (1 of 4 stars; one submission).

Conditions:
Progeroid and marfanoid aspect-lipodystrophy syndrome. Also called: MARFAN-PROGEROID-LIPODYSTROPHY SYNDROME; Marfan lipodystrophy syndrome; MARFANOID-PROGEROID SYNDROME; MARFANOID-PROGEROID-LIPODYSTROPHY SYNDROME. Identifiers: Orphanet 300382, MedGen C4310796, MONDO:0014831, OMIM 616914.
Marfan syndrome (MFS). Also called: Marfan syndrome, classic; MARFAN SYNDROME, TYPE I; Marfan syndrome type 1; Marfan's syndrome; FBN1-Related Marfan Syndrome. Identifiers: Orphanet 284963, Orphanet 558, MedGen C0024796, MONDO:0007947, OMIM 154700.

Submission:

Diagnostics Services (NGS), CSIR - Centre For Cellular And Molecular Biology
Classification: Pathogenic for Marfan syndrome; Progeroid and marfanoid aspect-lipodystrophy syndrome. Last evaluated: 2022-03-04. Review status: criteria provided, single submitter. Criteria: ACMG Guidelines, 2015. Collection method: clinical testing. Allele origin: unknown. Inheritance: Autosomal dominant inheritance. Affected: yes. Observed: 1 variant allele, 1 heterozygote.
Comment: The c.3534dup variant is not present in publicly available population databases like 1000 Genomes, Exome Variant Server (EVS), Exome Aggregation Consortium (ExAC), Genome Aggregation Database (gnomAD), dbSNP and Indian Exome Database. The variant is also not present in our in-house exome database. The variant was not previously reported to ClinVar, Human Genome Mutation Database (HGMD) and OMIM databases in any affected individuals. In-silico pathogenicity prediction programs like MutationTaster2, CADD, Varsome etc. predicted this variant to be likely deleterious. The variant causes frameshift at the 1179th amino acid position that creates a premature stop codon at 1192th amino acid position of the altered transcripts that may either results into a truncated protein or causes nonsense mediated decay of the mRNA.

NM_000138.5(FBN1):c.3534dup (p.Gln1179fs)

Gene: FBN1 (fibrillin 1; minus strand). Cytogenetic location: 15q21.1.
Variant type: Duplication.
Coding change: c.3534dup on transcript NM_000138.5 (MANE Select); coding-DNA position 3534, one base duplicated (T; older notation c.3534dupT).
Protein change: p.Gln1179fs; shifts the reading frame from glutamine 1179.
Molecular consequence: frameshift variant.
Genome position (GRCh38, 1-based): chr15:48,487,130, A duplicated on the plus strand (T on the coding strand, the reverse complement: FBN1 is on the minus strand). VCF-style (leftmost placement, unchanged base first): chr15-48487129-G-GA. GRCh37 (hg19) VCF-style: chr15-48779326-G-GA.
Other names: short protein forms Q1179fs.
Identifiers: ClinVar variation 1691279 (VCV001691279.4), dbSNP rs2141293209, ClinGen allele CA2573150826.
Genomic context (GRCh38, chr15:48,487,129, plus strand): 5'-ACTTACCAACACAAAATAGCCTATCGGGAGTTGAATGGTAGCCAGGGTTGCAGGCACACT[G>GA]ATACTTCCCTATGAGGTTCACGCAACGGCCATTGGGGCACAGGTGTGCACTCAGCTCACA-3'